The following is an entry in ClinVar:

NM_001164508.2(NEB):c.8146A>G (p.Ile2716Val)

Gene: NEB (nebulin; minus strand). Cytogenetic location: 2q23.3.
Variant type: single nucleotide variant.
Coding change: c.8146A>G on transcript NM_001164508.2 (MANE Select); coding-DNA position 8146, A replaced by G.
Protein change: p.Ile2716Val; replaces isoleucine 2716 with valine.
Molecular consequence: missense variant.
Genome position (GRCh38, 1-based): chr2:151,643,164, T>C on the plus strand (A>G on the coding strand, the complement: NEB is on the minus strand). VCF-style: chr2-151643164-T-C. GRCh37 (hg19) VCF-style: chr2-152499678-T-C.
Other names: c.8146A>G, p.Ile2716Val (NM_001164507.2, NM_001271208.2, NM_004543.5); short protein forms I2716V.
Identifiers: ClinVar variation 663851 (VCV000663851.8), dbSNP rs1574917037, ClinGen allele CA348813189.
Genomic context (GRCh38, chr2:151,643,164, plus strand): 5'-TAAACAAAAAAAATTAATAACCTCCTCAAACAAACATAGGACTTACATGATTCATGGTAA[T>C]AGCATTGTTTTTTGCCAAAACCATTGGTATGGAATCCATAAGGCTGGAAAACTTAAATTG-3'
Protein context (NP_001157980.2, residues 2706-2726): IPMVLAKNNA[Ile2716Val]TMNHRLYTEA

ClinVar aggregate classification (germline): Uncertain significance. Review status: criteria provided, single submitter (1 of 4 stars). 2 submissions from 2 submitters: Uncertain significance (1). 1 of the submissions does not count toward it. Last evaluated 2021-08-26.

Conditions:
Nemaline myopathy 2 (NEM2). Also called: Nemaline myopathy 2, autosomal recessive. Identifiers: MedGen C1850569, MONDO:0009725, OMIM 256030.

Submissions (2):

Labcorp Genetics (formerly Invitae), Labcorp
Classification: Uncertain significance for Nemaline myopathy 2. Last evaluated: 2021-08-26. Review status: criteria provided, single submitter. Criteria: Invitae Variant Classification Sherloc (09022015). Collection method: clinical testing. Allele origin: germline.
Comment: This sequence change replaces isoleucine with valine at codon 2716 of the NEB protein (p.Ile2716Val). The isoleucine residue is moderately conserved and there is a small physicochemical difference between isoleucine and valine. This variant is not present in population databases (ExAC no frequency). This variant has not been reported in the literature in individuals affected with NEB-related conditions. Algorithms developed to predict the effect of missense changes on protein structure and function are either unavailable or do not agree on the potential impact of this missense change (SIFT: "Tolerated"; PolyPhen-2: "Not Available"; Align-GVGD: "Class C0"). In summary, the available evidence is currently insufficient to determine the role of this variant in disease. Therefore, it has been classified as a Variant of Uncertain Significance.

Natera, Inc.
Classification: Uncertain significance for Nemaline myopathy type 2. Last evaluated: 2020-11-05. Review status: no assertion criteria provided. Collection method: clinical testing. Allele origin: germline. Not counted in ClinVar's aggregate classification.